The following is an entry in ClinVar:

ClinVar aggregate classification (germline): Uncertain significance (1 of 4 stars; one submission).

Conditions:
Dyskeratosis congenita. Identifiers: Orphanet 1775, MedGen C0265965, MONDO:0015780.

gnomAD v4.1: 3 of 1,211,903 alleles (0.00025%); highest among the groups gnomAD compares: Non-Finnish European, 0.00034%; no homozygotes.

Submission:

Labcorp Genetics (formerly Invitae), Labcorp
Classification: Uncertain significance for Dyskeratosis congenita. Last evaluated: 2020-11-23. Review status: criteria provided, single submitter. Criteria: Invitae Variant Classification Sherloc (09022015). Collection method: clinical testing. Allele origin: germline.
Comment: This sequence change replaces lysine with arginine at codon 448 of the DKC1 protein (p.Lys448Arg). The lysine residue is weakly conserved and there is a small physicochemical difference between lysine and arginine. This variant is not present in population databases (ExAC no frequency). This variant has not been reported in the literature in individuals with DKC1-related conditions. Algorithms developed to predict the effect of missense changes on protein structure and function output the following: SIFT: "Tolerated"; PolyPhen-2: "Benign"; Align-GVGD: "Class C0". The arginine amino acid residue is found in multiple mammalian species, suggesting that this missense change does not adversely affect protein function. These predictions have not been confirmed by published functional studies and their clinical significance is uncertain. In summary, the available evidence is currently insufficient to determine the role of this variant in disease. Therefore, it has been classified as a Variant of Uncertain Significance.

NM_001363.5(DKC1):c.1343A>G (p.Lys448Arg)

Gene: DKC1 (dyskerin pseudouridine synthase 1; plus strand). Cytogenetic location: Xq28.
Variant type: single nucleotide variant.
Coding change: c.1343A>G on transcript NM_001363.5 (MANE Select); coding-DNA position 1343, A replaced by G.
Protein change: p.Lys448Arg; replaces lysine 448 with arginine.
Molecular consequence: missense variant. On other transcripts: 3 prime UTR variant (1), non-coding transcript variant (3).
Genome position (GRCh38, 1-based): chrX:154,776,191, A>G. VCF-style: chrX-154776191-A-G. GRCh37 (hg19) VCF-style: chrX-154004466-A-G.
Other names: c.1328A>G, p.Lys443Arg (NM_001142463.3); c.*569A>G (NM_001288747.2); short protein forms K448R, K443R.
Identifiers: ClinVar variation 1395236 (VCV001395236.8), dbSNP rs2148517505, ClinGen allele CA414899289.